The following is an entry in ClinVar:

NM_006947.4(SRP72):c.509G>A (p.Gly170Asp)

Gene: SRP72 (signal recognition particle 72; plus strand). Cytogenetic location: 4q12.
Variant type: single nucleotide variant.
Coding change: c.509G>A on transcript NM_006947.4 (MANE Select); coding-DNA position 509, G replaced by A.
Protein change: p.Gly170Asp; replaces glycine 170 with aspartic acid.
Molecular consequence: missense variant. On other transcripts: non-coding transcript variant (1).
Genome position (GRCh38, 1-based): chr4:56,474,290, G>A. VCF-style: chr4-56474290-G-A. GRCh37 (hg19) VCF-style: chr4-57340456-G-A.
Other names: c.509G>A, p.Gly170Asp (NM_001267722.2); short protein forms G170D.
Identifiers: ClinVar variation 1712808 (VCV001712808.2), dbSNP rs1419324011, ClinGen allele CA356996848.

ClinVar aggregate classification (germline): Uncertain significance (1 of 4 stars; one submission).

Allele frequency attached by ClinVar (database versions not stated): gnomAD exomes below 0.00001; TOPMed below 0.00001.
gnomAD v4.1: 2 of 1,613,964 alleles (0.00012%); highest among the groups gnomAD compares: Admixed American, 0.0033%; no homozygotes.

Submission:

GeneDx
Classification: Uncertain significance. Last evaluated: 2022-04-29. Review status: criteria provided, single submitter. Criteria: GeneDx Variant Classification Process June 2021. Collection method: clinical testing. Allele origin: germline. Affected: yes.
Comment: Not observed at significant frequency in large population cohorts (gnomAD); In silico analysis supports that this missense variant has a deleterious effect on protein structure/function; Has not been previously published as pathogenic or benign to our knowledge